The following is an entry in ClinVar:

NM_000135.4(FANCA):c.2036T>A (p.Val679Glu)

Gene: FANCA (FA complementation group A; minus strand). Cytogenetic location: 16q24.3.
Variant type: single nucleotide variant.
Coding change: c.2036T>A on transcript NM_000135.4 (MANE Select); coding-DNA position 2036, T replaced by A.
Protein change: p.Val679Glu; replaces valine 679 with glutamic acid.
Molecular consequence: missense variant.
Genome position (GRCh38, 1-based): chr16:89,771,793, A>T on the plus strand (T>A on the coding strand, the complement: FANCA is on the minus strand). VCF-style: chr16-89771793-A-T. GRCh37 (hg19) VCF-style: chr16-89838201-A-T.
Other names: c.2036T>A, p.Val679Glu (NM_001286167.3); short protein forms V679E.
Identifiers: ClinVar variation 5036346 (VCV005036346.1).

ClinVar aggregate classification (germline): Uncertain significance (1 of 4 stars; one submission).

Conditions:
Inborn genetic diseases. Identifiers: MedGen C0950123, MeSH D030342.

Submission:

Ambry Genetics
Classification: Uncertain significance for Inborn genetic diseases. Last evaluated: 2026-07-11. Review status: criteria provided, single submitter. Criteria: Ambry Variant Classification Scheme 2023. Collection method: clinical testing. Allele origin: germline.
Comment: The p.V679E variant (also known as c.2036T>A), located in coding exon 23 of the FANCA gene, results from a T to A substitution at nucleotide position 2036. The valine at codon 679 is replaced by glutamic acid, an amino acid with dissimilar properties. This amino acid position is conserved. In addition, the in silico prediction for this alteration is inconclusive. Based on the available evidence, the clinical significance of this variant remains unclear.